The following is an entry in ClinVar:

ClinVar aggregate classification (germline): Uncertain significance (1 of 4 stars; one submission).

Conditions:
Cardiovascular phenotype. Identifiers: MedGen CN230736.

Submission:

Ambry Genetics
Classification: Uncertain significance for Cardiovascular phenotype. Last evaluated: 2024-07-25. Review status: criteria provided, single submitter. Criteria: Ambry Variant Classification Scheme 2023. Collection method: clinical testing. Allele origin: germline.
Comment: The c.11694+4T>A intronic variant results from a T to A substitution 4 nucleotides after coding exon 44 in the ANK2 gene. This nucleotide position is not well conserved in available vertebrate species. In silico splice site analysis predicts that this alteration will not have any significant effect on splicing. Based on the available evidence, the clinical significance of this variant remains unclear.

NM_001148.6(ANK2):c.11694+4T>A

Gene: ANK2 (ankyrin 2; plus strand). Cytogenetic location: 4q26.
Variant type: single nucleotide variant.
Coding change: c.11694+4T>A on transcript NM_001148.6 (MANE Select); 4 bases into the intron after coding-DNA position 11694, T replaced by A.
Molecular consequence: intron variant.
Genome position (GRCh38, 1-based): chr4:113,373,177, T>A. VCF-style: chr4-113373177-T-A. GRCh37 (hg19) VCF-style: chr4-114294333-T-A.
Other names: c.5424+4T>A (NM_001386186.2, NM_001386148.2); c.5226+4T>A (NM_001354269.3); c.5304+4T>A (NM_001386187.2); c.5265+4T>A (NM_001386147.1); c.5283+4T>A (NM_001386160.1); c.5388+4T>A (NM_001354254.2); c.5502+4T>A (NM_001354239.2); c.5409+4T>A (NM_001354252.2); and 44 more.
Identifiers: ClinVar variation 3539442 (VCV003539442.1).
Genomic context (GRCh38, chr4:113,373,177, plus strand): 5'-GAAACAGTCACAGAAGAAGAATACATTGATGAGCATGGACACACCGTGGTAAAGAAGGTA[T>A]TGTCTAGTATATCCTAACAGGGTTGATTACAAACTTCCTGTTTAAAATTTATCAATTCCA-3'